The following is an entry in ClinVar:

ClinVar aggregate classification (germline): Uncertain significance (1 of 4 stars; one submission).

Conditions:
RYR1-related disorder. Also called: RYR1-related condition; RYR1-related disorders. Identifiers: MedGen CN239331.

gnomAD v4.1: 1 of 1,614,108 alleles (0.000062%); highest among the groups gnomAD compares: Non-Finnish European, 0.000085%; no homozygotes.

Submission:

Labcorp Genetics (formerly Invitae), Labcorp
Classification: Uncertain significance for RYR1-related disorder. Last evaluated: 2024-07-25. Review status: criteria provided, single submitter. Criteria: Invitae Variant Classification Sherloc (09022015). Collection method: clinical testing. Allele origin: germline.
Comment: This sequence change replaces arginine, which is basic and polar, with leucine, which is neutral and non-polar, at codon 2697 of the RYR1 protein (p.Arg2697Leu). This variant is present in population databases (no rsID available, gnomAD 0.0009%). This variant has not been reported in the literature in individuals affected with RYR1-related conditions. Advanced modeling of protein sequence and biophysical properties (such as structural, functional, and spatial information, amino acid conservation, physicochemical variation, residue mobility, and thermodynamic stability) performed at Invitae indicates that this missense variant is not expected to disrupt RYR1 protein function with a negative predictive value of 95%. In summary, the available evidence is currently insufficient to determine the role of this variant in disease. Therefore, it has been classified as a Variant of Uncertain Significance.

NM_000540.3(RYR1):c.8090G>T (p.Arg2697Leu)

Gene: RYR1 (ryanodine receptor 1; plus strand). Cytogenetic location: 19q13.2.
Variant type: single nucleotide variant.
Coding change: c.8090G>T on transcript NM_000540.3 (MANE Select); coding-DNA position 8090, G replaced by T.
Protein change: p.Arg2697Leu; replaces arginine 2697 with leucine.
Molecular consequence: missense variant.
Genome position (GRCh38, 1-based): chr19:38,504,770, G>T. VCF-style: chr19-38504770-G-T. GRCh37 (hg19) VCF-style: chr19-38995410-G-T.
Other names: c.8090G>T, p.Arg2697Leu (NM_001042723.2); short protein forms R2697L.
Identifiers: ClinVar variation 2839871 (VCV002839871.3), dbSNP rs1254090942, ClinGen allele CA405676513.